The following is an entry in ClinVar:

ClinVar aggregate classification (germline): Uncertain significance (1 of 4 stars; one submission).

Conditions:
Saldino-Mainzer syndrome (SRTD9). Also called: Renal dysplasia, retinal pigmentary dystrophy, cerebellar ataxia and skeletal dysplasia; CONORENAL SYNDROME; short-rib thoracic dysplasia 9 with or without polydactyly; SHORT-RIB THORACIC DYSPLASIA 9 WITHOUT POLYDACTYLY. Identifiers: Orphanet 140969, MedGen C1849437, MONDO:0009964, OMIM 266920.

Allele frequency attached by ClinVar (database versions not stated): gnomAD exomes below 0.00001; ExAC 0.00001.
gnomAD v4.1: 6 of 1,580,986 alleles (0.00038%); highest among the groups gnomAD compares: East Asian, 0.0046%; no homozygotes.

Submission:

Labcorp Genetics (formerly Invitae), Labcorp
Classification: Uncertain significance for Saldino-Mainzer syndrome. Last evaluated: 2025-05-13. Review status: criteria provided, single submitter. Criteria: Invitae Variant Classification Sherloc (09022015). Collection method: clinical testing. Allele origin: germline.
Comment: This sequence change replaces alanine, which is neutral and non-polar, with threonine, which is neutral and polar, at codon 686 of the IFT140 protein (p.Ala686Thr). The frequency data for this variant in the population databases is considered unreliable, as metrics indicate poor data quality at this position in the gnomAD database. This variant has not been reported in the literature in individuals affected with IFT140-related conditions. ClinVar contains an entry for this variant (Variation ID: 1977428). Invitae Evidence Modeling of protein sequence and biophysical properties (such as structural, functional, and spatial information, amino acid conservation, physicochemical variation, residue mobility, and thermodynamic stability) indicates that this missense variant is not expected to disrupt IFT140 protein function with a negative predictive value of 95%. In summary, the available evidence is currently insufficient to determine the role of this variant in disease. Therefore, it has been classified as a Variant of Uncertain Significance.

NM_014714.4(IFT140):c.2056G>A (p.Ala686Thr)

Gene: IFT140 (intraflagellar transport 140; minus strand). Cytogenetic location: 16p13.3.
Variant type: single nucleotide variant.
Coding change: c.2056G>A on transcript NM_014714.4 (MANE Select); coding-DNA position 2056, G replaced by A.
Protein change: p.Ala686Thr; replaces alanine 686 with threonine.
Molecular consequence: missense variant.
Genome position (GRCh38, 1-based): chr16:1,564,008, C>T on the plus strand (G>A on the coding strand, the complement: IFT140 is on the minus strand). VCF-style: chr16-1564008-C-T. GRCh37 (hg19) VCF-style: chr16-1614009-C-T.
Other names: short protein forms A686T.
Identifiers: ClinVar variation 1977428 (VCV001977428.5), dbSNP rs755423630, ClinGen allele CA7814034.
Genomic context (GRCh38, chr16:1,564,008, plus strand): 5'-AAATGGCCACTGAGTGTGTCTAAACTCAAATACAACAGGCAGAGCGTACCGCAGGGCCAG[C>T]GCGCCCATCTTGGGGCTGCCCGTTTGCAGACTGAGGCTGGGAGCGCGGCGTCTCCTGCAC-3'
Protein context (NP_055529.2, residues 676-696): SANGQPQDGR[Ala686Thr]GPAADVLILS